The following is an entry in ClinVar:

NM_000044.6(AR):c.1888C>T (p.Arg630Trp)

Gene: AR (androgen receptor; plus strand). Cytogenetic location: Xq12.
Variant type: single nucleotide variant.
Coding change: c.1888C>T on transcript NM_000044.6 (MANE Select); coding-DNA position 1888, C replaced by T.
Protein change: p.Arg630Trp; replaces arginine 630 with tryptophan.
Molecular consequence: missense variant.
Genome position (GRCh38, 1-based): chrX:67,711,404, C>T. VCF-style: chrX-67711404-C-T. GRCh37 (hg19) VCF-style: chrX-66931246-C-T.
Other names: c.292C>T, p.Arg98Trp (NM_001011645.3); short protein forms R630W, R98W.
Identifiers: ClinVar variation 427107 (VCV000427107.2), dbSNP rs1085307962, ClinGen allele CA413422950.

ClinVar aggregate classification (germline): Likely pathogenic (1 of 4 stars; one submission).

Submission:

GeneDx
Classification: Likely pathogenic. Last evaluated: 2015-06-04. Review status: criteria provided, single submitter. Criteria: GeneDx Variant Classification (06012015). Collection method: clinical testing. Allele origin: germline. Affected: yes.
Comment: The R630W variant has been reported in an individual with partial androgen insensitivity syndrome (PAIS) (Deeb et al., 2005). The R630W variant was not observed in approximately 6500 individuals of European and African American ancestry in the NHLBI Exome Sequencing Project, indicating it is not a common benign variant in these populations. The R630W variant is a non-conservative amino acid substitution, which is likely to impact secondary protein structure as these residues differ in polarity, charge, size and/or other properties. This substitution occurs at a position that is conserved across species. In silico analysis predicts this variant is probably damaging to the protein structure/function. A missense pathogenic variant in a nearby residue (C620R) has been reported in the Human Gene Mutation Database in association with AIS (Stenson et al., 2014), supporting the functional importance of this region of the protein. Therefore, this variant is a strong candidate for a pathogenic variant, however the possibility that it is a benign variant cannot be excluded.